The following is an entry in ClinVar:

NM_000336.3(SCNN1B):c.880+16T>C

Gene: SCNN1B (sodium channel epithelial 1 subunit beta; plus strand). Cytogenetic location: 16p12.2.
Variant type: single nucleotide variant.
Coding change: c.880+16T>C on transcript NM_000336.3 (MANE Select); 16 bases into the intron after coding-DNA position 880, T replaced by C.
Molecular consequence: intron variant.
Genome position (GRCh38, 1-based): chr16:23,367,975, T>C. VCF-style: chr16-23367975-T-C. GRCh37 (hg19) VCF-style: chr16-23379296-T-C.
Other names: c.880+16T>C (NM_001410900.1).
Identifiers: ClinVar variation 3339025 (VCV003339025.1).

ClinVar aggregate classification (germline): Likely benign (1 of 4 stars; one submission).

gnomAD v4.1: 50 of 1,583,608 alleles (0.0032%); highest among the groups gnomAD compares: African/African-American, 0.057%; no homozygotes.

Submission:

Women's Health and Genetics/Laboratory Corporation of America, LabCorp
Classification: Likely benign. Last evaluated: 2024-07-09. Review status: criteria provided, single submitter. Criteria: LabCorp Variant Classification Summary - May 2015. Collection method: clinical testing. Allele origin: germline.
Comment: Variant summary: SCNN1B c.880+16T>C alters a non-conserved nucleotide located at a position not widely known to affect splicing. Consensus agreement among computation tools predict no significant impact on normal splicing. However, these predictions have yet to be confirmed by functional studies. The variant allele was found at a frequency of 3.2e-05 in 1576662 control chromosomes, predominantly at a frequency of 0.00057 within the African or African-American subpopulation in the gnomAD database (v4.1 dataset). To our knowledge, no occurrence of c.880+16T>C in individuals affected with SCNN1B-Related Disorders and no experimental evidence demonstrating its impact on protein function have been reported. No submitters have cited clinical-significance assessments for this variant to ClinVar. Based on the evidence outlined above, the variant was classified as likely benign.